The following is an entry in ClinVar:

NM_006766.5(KAT6A):c.277A>T (p.Asn93Tyr)

Gene: KAT6A (lysine acetyltransferase 6A; minus strand). Cytogenetic location: 8p11.21.
Variant type: single nucleotide variant.
Coding change: c.277A>T on transcript NM_006766.5 (MANE Select); coding-DNA position 277, A replaced by T.
Protein change: p.Asn93Tyr; replaces asparagine 93 with tyrosine.
Molecular consequence: missense variant.
Genome position (GRCh38, 1-based): chr8:42,048,701, T>A on the plus strand (A>T on the coding strand, the complement: KAT6A is on the minus strand). VCF-style: chr8-42048701-T-A. GRCh37 (hg19) VCF-style: chr8-41906219-T-A.
Other names: c.277A>T, p.Asn93Tyr (NM_001305878.2); short protein forms N93Y.
Identifiers: ClinVar variation 5008529 (VCV005008529.1).

ClinVar aggregate classification (germline): Uncertain significance (1 of 4 stars; one submission).

Submission:

GeneDx
Classification: Uncertain significance. Last evaluated: 2026-03-10. Review status: criteria provided, single submitter. Criteria: GeneDx Variant Classification Process June 2021. Collection method: clinical testing. Allele origin: germline.
Comment: Not observed at significant frequency in large population cohorts (gnomAD); In silico analysis supports that this missense variant has a deleterious effect on protein structure/function; Has not been previously published as pathogenic or benign to our knowledge